The following is an entry in ClinVar:

ClinVar aggregate classification (germline): Uncertain significance. Review status: criteria provided, multiple submitters, no conflicts (2 of 4 stars). 2 submissions from 2 submitters: Uncertain significance (2). Last evaluated 2025-10-18.

Conditions:
Erythrocytosis, familial, 3 (ECYT3). Identifiers: Orphanet 247511, MedGen C1853286, MONDO:0012353, OMIM 609820.

Allele frequency attached by ClinVar (database versions not stated): gnomAD exomes 0.00001; TOPMed 0.00005; gnomAD 0.00006; 1000 Genomes Project 30x 0.00016.
gnomAD v4.1: 27 of 1,549,586 alleles (0.0017%); highest among the groups gnomAD compares: African/African-American, 0.025%; no homozygotes.

Submissions (2):

Ambry Genetics
Classification: Uncertain significance. Last evaluated: 2025-10-18. Review status: criteria provided, single submitter. Criteria: Ambry Variant Classification Scheme 2023. Collection method: clinical testing. Allele origin: germline.

Labcorp Genetics (formerly Invitae), Labcorp
Classification: Uncertain significance for Erythrocytosis, familial, 3. Last evaluated: 2024-06-17. Review status: criteria provided, single submitter. Criteria: Invitae Variant Classification Sherloc (09022015). Collection method: clinical testing. Allele origin: germline.
Comment: This sequence change replaces serine, which is neutral and polar, with proline, which is neutral and non-polar, at codon 153 of the EGLN1 protein (p.Ser153Pro). This variant is present in population databases (no rsID available, gnomAD 0.01%). This variant has not been reported in the literature in individuals affected with EGLN1-related conditions. ClinVar contains an entry for this variant (Variation ID: 1518583). Algorithms developed to predict the effect of missense changes on protein structure and function output the following: SIFT: "Not Available"; PolyPhen-2: "Benign"; Align-GVGD: "Not Available". The proline amino acid residue is found in multiple mammalian species, which suggests that this missense change does not adversely affect protein function. In summary, the available evidence is currently insufficient to determine the role of this variant in disease. Therefore, it has been classified as a Variant of Uncertain Significance.

NM_022051.3(EGLN1):c.457T>C (p.Ser153Pro)

Gene: EGLN1 (egl-9 family hypoxia inducible factor 1; minus strand). Cytogenetic location: 1q42.2.
Variant type: single nucleotide variant.
Coding change: c.457T>C on transcript NM_022051.3 (MANE Select); coding-DNA position 457, T replaced by C.
Protein change: p.Ser153Pro; replaces serine 153 with proline.
Molecular consequence: missense variant.
Genome position (GRCh38, 1-based): chr1:231,421,432, A>G on the plus strand (T>C on the coding strand, the complement: EGLN1 is on the minus strand). VCF-style: chr1-231421432-A-G. GRCh37 (hg19) VCF-style: chr1-231557178-A-G.
Other names: c.457T>C, p.Ser153Pro (NM_001377260.1, NM_001377261.1); short protein forms S153P.
Identifiers: ClinVar variation 1518583 (VCV001518583.11), dbSNP rs963834004, ClinGen allele CA38948770.
Genomic context (GRCh38, chr1:231,421,432, plus strand): 5'-GCGCATCCCCGGGCGTGTTGCTTGGGGGGTACAGGTTCGCCTTCTCCTGGAACAGCGATG[A>G]GCGGGCCGGCGGCTCCTCCTTGCCGGGCTCGGCTTCGGCAGCCACCGCCGAGCCCTGGCC-3'
Protein context (NP_071334.1, residues 143-163): EPGKEEPPAR[Ser153Pro]SLFQEKANLY